The following is an entry in ClinVar:

NM_000132.4(F8):c.5374-19T>G

Gene: F8 (coagulation factor VIII; minus strand). Cytogenetic location: Xq28.
Variant type: single nucleotide variant.
Coding change: c.5374-19T>G on transcript NM_000132.4 (MANE Select); 19 bases into the intron before coding-DNA position 5374, T replaced by G.
Molecular consequence: intron variant.
Genome position (GRCh38, 1-based): chrX:154,905,042, A>C on the plus strand (T>G on the coding strand, the complement: F8 is on the minus strand). VCF-style: chrX-154905042-A-C. GRCh37 (hg19) VCF-style: chrX-154133317-A-C.
Identifiers: ClinVar variation 4980956 (VCV004980956.1).
Genomic context (GRCh38, chrX:154,905,042, plus strand): 5'-ATAGAAGGAATAGGGACGAGAGGCCTGATTTCTGAAAGTTACCTGTAGAACAATAACGAC[A>C]AAAAAAAAAAAGCAAGAATAATCTTCTAGGATCTTAAGGTCCTTAGGGTTTACATCCCTA-3'

ClinVar aggregate classification (germline): Uncertain significance (1 of 4 stars; one submission).

Conditions:
F8-related disorder. Also called: F8-related condition.

Submission:

PreventionGenetics, part of Exact Sciences
Classification: Uncertain significance for F8-related condition. Last evaluated: 2026-09-04. Review status: criteria provided, single submitter. Criteria: ACMG Guidelines, 2015. Collection method: clinical testing. Allele origin: germline.
Comment: The F8 c.5374-19T>G variant is predicted to interfere with splicing. To our knowledge, this variant has not been reported in the literature or in a large population database (gnomAD), indicating this variant is rare. This variant is predicted to alter splicing based on available splicing prediction programs (SpliceAI, Jaganathan et al. 2019. PubMed ID: 30661751). However, the use of computer prediction programs is not equivalent to functional evidence. At this time, the clinical significance of this variant is uncertain due to the absence of conclusive functional and genetic evidence.